The following is an entry in ClinVar:

ClinVar aggregate classification (germline): Uncertain significance (1 of 4 stars; one submission).

gnomAD v4.1: 1 of 1,610,754 alleles (0.000062%); highest among the groups gnomAD compares: Non-Finnish European, 0.000085%; no homozygotes.

Submission:

GeneDx
Classification: Uncertain significance. Last evaluated: 2025-07-08. Review status: criteria provided, single submitter. Criteria: GeneDx Variant Classification Process June 2021. Collection method: clinical testing. Allele origin: germline. Affected: yes.
Comment: Not observed at significant frequency in large population cohorts (gnomAD); In silico analysis suggests that this missense variant does not alter protein structure/function; Has not been previously published as pathogenic or benign to our knowledge

NM_004973.4(JARID2):c.1826C>T (p.Thr609Met)

Gene: JARID2 (jumonji and AT-rich interaction domain containing 2; plus strand). Cytogenetic location: 6p22.3.
Variant type: single nucleotide variant.
Coding change: c.1826C>T on transcript NM_004973.4 (MANE Select); coding-DNA position 1826, C replaced by T.
Protein change: p.Thr609Met; replaces threonine 609 with methionine.
Molecular consequence: missense variant.
Genome position (GRCh38, 1-based): chr6:15,497,051, C>T. VCF-style: chr6-15497051-C-T. GRCh37 (hg19) VCF-style: chr6-15497282-C-T.
Other names: c.1310C>T, p.Thr437Met (NM_001267040.1); short protein forms T437M, T609M.
Identifiers: ClinVar variation 4685206 (VCV004685206.1).